The following is an entry in ClinVar:

NM_014989.7(RIMS1):c.1177G>C (p.Val393Leu)

Gene: RIMS1 (regulating synaptic membrane exocytosis 1; plus strand). Cytogenetic location: 6q13.
Variant type: single nucleotide variant.
Coding change: c.1177G>C on transcript NM_014989.7 (MANE Select); coding-DNA position 1177, G replaced by C.
Protein change: p.Val393Leu; replaces valine 393 with leucine.
Molecular consequence: missense variant.
Genome position (GRCh38, 1-based): chr6:72,182,648, G>C. VCF-style: chr6-72182648-G-C. GRCh37 (hg19) VCF-style: chr6-72892351-G-C.
Other names: c.1177G>C (NM_014989.4); short protein forms V393L.
Identifiers: ClinVar variation 1964387 (VCV001964387.6), dbSNP rs2551808146, ClinGen allele CA364820425.

ClinVar aggregate classification (germline): Uncertain significance. Review status: criteria provided, multiple submitters, no conflicts (2 of 4 stars). 2 submissions from 2 submitters: Uncertain significance (2). Last evaluated 2025-10-28.

gnomAD v4.1: 3 of 1,529,482 alleles (0.0002%); highest among the groups gnomAD compares: East Asian, 0.0051%; no homozygotes.

Submissions (2):

Ambry Genetics
Classification: Uncertain significance. Last evaluated: 2025-10-28. Review status: criteria provided, single submitter. Criteria: Ambry Variant Classification Scheme 2023. Collection method: clinical testing. Allele origin: germline.

Labcorp Genetics (formerly Invitae), Labcorp
Classification: Uncertain significance. Last evaluated: 2022-09-13. Review status: criteria provided, single submitter. Criteria: Invitae Variant Classification Sherloc (09022015). Collection method: clinical testing. Allele origin: germline.
Comment: Algorithms developed to predict the effect of missense changes on protein structure and function are either unavailable or do not agree on the potential impact of this missense change (SIFT: "Deleterious"; PolyPhen-2: "Benign"; Align-GVGD: "Class C0"). In summary, the available evidence is currently insufficient to determine the role of this variant in disease. Therefore, it has been classified as a Variant of Uncertain Significance. This variant has not been reported in the literature in individuals affected with RIMS1-related conditions. This variant is not present in population databases (gnomAD no frequency). This sequence change replaces valine, which is neutral and non-polar, with leucine, which is neutral and non-polar, at codon 393 of the RIMS1 protein (p.Val393Leu).